The following is an entry in ClinVar:

ClinVar aggregate classification (germline): Likely benign (1 of 4 stars; one submission).

Conditions:
SDCCAG8-related disorder. Also called: SDCCAG8-Related Disorders; SDCCAG8-related condition.

gnomAD v4.1: 3 of 1,614,218 alleles (0.00019%); highest among the groups gnomAD compares: Non-Finnish European, 0.00025%; no homozygotes.

Submission:

PreventionGenetics, part of Exact Sciences
Classification: Likely benign for SDCCAG8-related condition. Last evaluated: 2025-07-06. Review status: criteria provided, single submitter. Criteria: ACMG Guidelines, 2015. Collection method: clinical testing. Allele origin: germline.
Comment: This variant is classified as likely benign based on ACMG/AMP sequence variant interpretation guidelines (Richards et al. 2015 PMID: 25741868, with internal and published modifications).

NM_006642.5(SDCCAG8):c.966A>G (p.Val322=)

Gene: SDCCAG8 (SHH signaling and ciliogenesis regulator SDCCAG8; plus strand). Cytogenetic location: 1q43.
Variant type: single nucleotide variant.
Coding change: c.966A>G on transcript NM_006642.5 (MANE Select); coding-DNA position 966, A replaced by G.
Protein change: p.Val322=; no amino-acid change (valine 322 retained).
Molecular consequence: synonymous variant.
Genome position (GRCh38, 1-based): chr1:243,316,791, A>G. VCF-style: chr1-243316791-A-G. GRCh37 (hg19) VCF-style: chr1-243480093-A-G.
Other names: c.63A>G, p.Val21= (NM_001350246.2, NM_001350247.2, NM_001350251.2); c.1062A>G, p.Val354= (NM_001350248.2); c.672A>G, p.Val224= (NM_001350249.2).
Identifiers: ClinVar variation 4997153 (VCV004997153.1).